The following is an entry in ClinVar:

NM_182961.4(SYNE1):c.22961G>C (p.Trp7654Ser)

Gene: SYNE1 (spectrin repeat containing nuclear envelope protein 1; minus strand). Cytogenetic location: 6q25.2.
Variant type: single nucleotide variant.
Coding change: c.22961G>C on transcript NM_182961.4 (MANE Select); coding-DNA position 22961, G replaced by C.
Protein change: p.Trp7654Ser; replaces tryptophan 7654 with serine.
Molecular consequence: missense variant.
Genome position (GRCh38, 1-based): chr6:152,206,226, C>G on the plus strand (G>C on the coding strand, the complement: SYNE1 is on the minus strand). VCF-style: chr6-152206226-C-G. GRCh37 (hg19) VCF-style: chr6-152527361-C-G.
Other names: c.22748G>C, p.Trp7583Ser (NM_033071.5); short protein forms W7583S, W7654S.
Identifiers: ClinVar variation 3342574 (VCV003342574.2).

ClinVar aggregate classification (germline): Uncertain significance (1 of 4 stars; one submission).

gnomAD v4.1: 7 of 1,613,732 alleles (0.00043%); highest among the groups gnomAD compares: Admixed American, 0.01%; no homozygotes.

Submission:

GeneDx
Classification: Uncertain significance. Last evaluated: 2025-09-10. Review status: criteria provided, single submitter. Criteria: GeneDx Variant Classification Process June 2021. Collection method: clinical testing. Allele origin: germline.
Comment: Not observed at significant frequency in large population cohorts (gnomAD); In silico analysis supports that this missense variant has a deleterious effect on protein structure/function; Has not been previously published as pathogenic or benign to our knowledge